The following is an entry in ClinVar:

NM_000531.6(OTC):c.845A>G (p.Gln282Arg)

Gene: OTC (ornithine transcarbamylase; plus strand). Cytogenetic location: Xp11.4.
Variant type: single nucleotide variant.
Coding change: c.845A>G on transcript NM_000531.6 (MANE Select); coding-DNA position 845, A replaced by G.
Protein change: p.Gln282Arg; replaces glutamine 282 with arginine.
Molecular consequence: missense variant.
Genome position (GRCh38, 1-based): chrX:38,409,003, A>G. VCF-style: chrX-38409003-A-G. GRCh37 (hg19) VCF-style: chrX-38268256-A-G.
Other names: short protein forms Q282R.
Identifiers: ClinVar variation 930666 (VCV000930666.3), dbSNP rs2068530314, ClinGen allele CA412723671.

ClinVar aggregate classification (germline): Uncertain significance (1 of 4 stars; one submission).

Conditions:
Ornithine carbamoyltransferase deficiency (OTCD). Also called: ORNITHINE TRANSCARBAMYLASE DEFICIENCY; Ornithine Carbamoyltransferase Deficiency Disease; OTC DEFICIENCY; ORNITHINE TRANSCARBAMYLASE DEFICIENCY, HYPERAMMONEMIA DUE TO. Identifiers: Orphanet 664, MedGen C0268542, MONDO:0010703, OMIM 311250.

Allele frequency attached by ClinVar (database versions not stated): gnomAD exomes below 0.00001.
gnomAD v4.1: 1 of 1,211,668 alleles (0.000083%); highest among the groups gnomAD compares: Non-Finnish European, 0.00011%; no homozygotes.

Submission:

Centre for Mendelian Genomics, University Medical Centre Ljubljana
Classification: Uncertain significance for Ornithine carbamoyltransferase deficiency. Last evaluated: 2019-03-01. Review status: criteria provided, single submitter. Criteria: ACMG Guidelines, 2015. Collection method: clinical testing. Allele origin: unknown. Affected: yes.
Comment: This variant was classified as: Uncertain significance. The available evidence on this variant's pathogenicity is insufficient or conflicting. The following ACMG criteria were applied in classifying this variant: PM2. This variant was detected in hemizygous state.